The following is an entry in ClinVar:

ClinVar aggregate classification (germline): Uncertain significance (1 of 4 stars; one submission).

Conditions:
Aicardi-Goutieres syndrome 5. Identifiers: Orphanet 51, MedGen C2749659, MONDO:0013059, OMIM 612952.

Allele frequency attached by ClinVar (database versions not stated): TOPMed below 0.00001; gnomAD 0.00001.
gnomAD v4.1: 1 of 1,614,062 alleles (0.000062%); highest among the groups gnomAD compares: African/African-American, 0.0013%; no homozygotes.

Submission:

Labcorp Genetics (formerly Invitae), Labcorp
Classification: Uncertain significance for Aicardi-Goutieres syndrome 5. Last evaluated: 2022-07-30. Review status: criteria provided, single submitter. Criteria: Invitae Variant Classification Sherloc (09022015). Collection method: clinical testing. Allele origin: germline.
Comment: This sequence change falls in intron 15 of the SAMHD1 gene. It does not directly change the encoded amino acid sequence of the SAMHD1 protein. It affects a nucleotide within the consensus splice site. This variant is not present in population databases (gnomAD no frequency). This variant has not been reported in the literature in individuals affected with SAMHD1-related conditions. Variants that disrupt the consensus splice site are a relatively common cause of aberrant splicing (PMID: 17576681, 9536098). Algorithms developed to predict the effect of sequence changes on RNA splicing suggest that this variant is not likely to affect RNA splicing. In summary, the available evidence is currently insufficient to determine the role of this variant in disease. Therefore, it has been classified as a Variant of Uncertain Significance.

Literature cited by the submitters: PubMed 17576681; PubMed 9536098.

NM_015474.4(SAMHD1):c.1746+4G>A

Gene: SAMHD1 (SAM and HD domain containing deoxynucleoside triphosphate triphosphohydrolase 1; minus strand). Cytogenetic location: 20q11.23.
Variant type: single nucleotide variant.
Coding change: c.1746+4G>A on transcript NM_015474.4 (MANE Select); 4 bases into the intron after coding-DNA position 1746, G replaced by A.
Molecular consequence: intron variant.
Genome position (GRCh38, 1-based): chr20:36,897,818, C>T on the plus strand (G>A on the coding strand, the complement: SAMHD1 is on the minus strand). VCF-style: chr20-36897818-C-T. GRCh37 (hg19) VCF-style: chr20-35526221-C-T.
Other names: c.1641+4G>A (NM_001363729.2); c.1746+4G>A (NM_001363733.2).
Identifiers: ClinVar variation 1980742 (VCV001980742.1), dbSNP rs886481222, ClinGen allele CA314281159.